The following is an entry in ClinVar:

NM_001290043.2(TAP2):c.314G>A (p.Gly105Glu)

Gene: TAP2 (transporter 2, ATP binding cassette subfamily B member; minus strand). Cytogenetic location: 6p21.32.
Variant type: single nucleotide variant.
Coding change: c.314G>A on transcript NM_001290043.2 (MANE Select); coding-DNA position 314, G replaced by A.
Protein change: p.Gly105Glu; replaces glycine 105 with glutamic acid.
Molecular consequence: missense variant.
Genome position (GRCh38, 1-based): chr6:32,837,920, C>T on the plus strand (G>A on the coding strand, the complement: TAP2 is on the minus strand). VCF-style: chr6-32837920-C-T. GRCh37 (hg19) VCF-style: chr6-32805697-C-T.
Other names: c.314G>A, p.Gly105Glu (NM_000544.3, NM_018833.3); short protein forms G105E.
Identifiers: ClinVar variation 1488279 (VCV001488279.8), dbSNP rs2127367618, ClinGen allele CA363586607.

ClinVar aggregate classification (germline): Uncertain significance (1 of 4 stars; one submission).

Conditions:
MHC class I deficiency. Identifiers: Orphanet 34592, MedGen C6024714, MONDO:0011476.

Submission:

Labcorp Genetics (formerly Invitae), Labcorp
Classification: Uncertain significance for MHC class I deficiency 1. Last evaluated: 2021-05-03. Review status: criteria provided, single submitter. Criteria: Invitae Variant Classification Sherloc (09022015). Collection method: clinical testing. Allele origin: germline.
Comment: In summary, the available evidence is currently insufficient to determine the role of this variant in disease. Therefore, it has been classified as a Variant of Uncertain Significance. Algorithms developed to predict the effect of missense changes on protein structure and function output the following: SIFT: "Tolerated"; PolyPhen-2: "Not Available"; Align-GVGD: "Class C0". The glutamic acid amino acid residue is found in multiple mammalian species, suggesting that this missense change does not adversely affect protein function. These predictions have not been confirmed by published functional studies and their clinical significance is uncertain. This variant has not been reported in the literature in individuals with TAP2-related conditions. This variant is not present in population databases (ExAC no frequency). This sequence change replaces glycine with glutamic acid at codon 105 of the TAP2 protein (p.Gly105Glu). The glycine residue is moderately conserved and there is a moderate physicochemical difference between glycine and glutamic acid.